The following is an entry in ClinVar:

NM_001267550.2(TTN):c.44113G>A (p.Ala14705Thr)

Gene: TTN (titin; minus strand). Cytogenetic location: 2q31.2.
Variant type: single nucleotide variant.
Coding change: c.44113G>A on transcript NM_001267550.2 (MANE Select); coding-DNA position 44113, G replaced by A.
Protein change: p.Ala14705Thr; replaces alanine 14705 with threonine.
Molecular consequence: missense variant.
Genome position (GRCh38, 1-based): chr2:178,630,845, C>T on the plus strand (G>A on the coding strand, the complement: TTN is on the minus strand). VCF-style: chr2-178630845-C-T. GRCh37 (hg19) VCF-style: chr2-179495572-C-T.
Other names: c.39190G>A, p.Ala13064Thr (NM_001256850.1); c.16918G>A, p.Ala5640Thr (NM_003319.4); c.36409G>A, p.Ala12137Thr (NM_133378.4); c.17293G>A, p.Ala5765Thr (NM_133432.3); c.17494G>A, p.Ala5832Thr (NM_133437.4); short protein forms A12137T, A14705T, A13064T, A5832T, A5640T, A5765T.
Identifiers: ClinVar variation 497743 (VCV000497743.10), dbSNP rs751017081, ClinGen allele CA1995757.
Genomic context (GRCh38, chr2:178,630,845, plus strand): 5'-AGTTCAGAAATAGCCTTACAGGTGTTTGGAGTAGGGCCTCTCCCTTGAGTTTCCAGTTGG[C>T]GTGGATATCATCTTCAGAGATTTCGGTTTCAAAGCGTGCTGTCTCAGTCTCCATCACCTC-3'
Protein context (NP_001254479.2, residues 14695-14715): ETEISEDDIH[Ala14705Thr]NWKLKGEALL

ClinVar aggregate classification (germline): Uncertain significance. Review status: criteria provided, multiple submitters, no conflicts (2 of 4 stars). 5 submissions from 5 submitters: Uncertain significance (4). 1 of the submissions does not count toward it. Last evaluated 2025-10-06.

Conditions:
TTN-related disorder. Also called: TTN-related disorders; TTN-related condition; TTN-related disease.
Cardiovascular phenotype. Identifiers: MedGen CN230736.
Tibial muscular dystrophy (TMD). Also called: UDD MYOPATHY; Tibial muscular dystrophy, tardive; Udd Distal Myopathy – Tibial Muscular Dystrophy. Identifiers: Orphanet 609, MedGen C1838244, MONDO:0010870, OMIM 600334.
Early-onset myopathy with fatal cardiomyopathy (CMYO5). Also called: Salih Myopathy; CONGENITAL MYOPATHY 5 WITH CARDIOMYOPATHY. Identifiers: Orphanet 289377, MedGen C2673677, MONDO:0012714, OMIM 611705. Disease mechanism: loss of function.
Hypertrophic cardiomyopathy 9. Also called: Familial hypertrophic cardiomyopathy 9. Identifiers: MedGen C1861065, MONDO:0013412, OMIM 613765.
Autosomal recessive limb-girdle muscular dystrophy type 2J (LGMDR10). Also called: Limb-girdle muscular dystrophy, type 2J; MUSCULAR DYSTROPHY, LIMB-GIRDLE, AUTOSOMAL RECESSIVE 10. Identifiers: Orphanet 140922, MedGen C1837342, MONDO:0012127, OMIM 608807.
Myopathy, myofibrillar, 9, with early respiratory failure (MFM9). Also called: Hereditary myopathy with early respiratory failure; EDSTROM MYOPATHY; MYOPATHY, PROXIMAL, WITH EARLY RESPIRATORY MUSCLE INVOLVEMENT; Myopathy, distal, with early respiratory failure, autosomal dominant. Identifiers: Orphanet 178464, Orphanet 34521, MedGen C1863599, MONDO:0011362, OMIM 603689.
Dilated cardiomyopathy 1G (CMD1G). Identifiers: Orphanet 154, MedGen C1858763, MONDO:0011400, OMIM 604145.

Allele frequency attached by ClinVar (database versions not stated): ExAC 0.00001; gnomAD exomes 0.00002; gnomAD 0.00003 and 0.00004; TOPMed 0.00006.
gnomAD v4.1: 12 of 1,613,170 alleles (0.00074%); highest among the groups gnomAD compares: African/African-American, 0.011%; no homozygotes.

Submissions (5):

Women's Health and Genetics/Laboratory Corporation of America, LabCorp
Classification: Uncertain significance. Last evaluated: 2025-10-06. Review status: criteria provided, single submitter. Criteria: LabCorp Variant Classification Summary - May 2015. Collection method: clinical testing. Allele origin: germline.
Comment: Variant summary: TTN c.36409G>A (p.Ala12137Thr) results in a non-conservative amino acid change located in the I-band region of the encoded protein sequence. Algorithms developed to predict the effect of missense changes on protein structure and function are either unavailable or do not agree on the potential impact of this missense change. The variant allele was found at a frequency of 1.6e-05 in 248762 control chromosomes. The available data on variant occurrences in the general population are insufficient to allow any conclusion about variant significance. To our knowledge, no occurrence of c.36409G>A in individuals affected with TTN-related conditions and no experimental evidence demonstrating its impact on protein function have been reported. ClinVar contains an entry for this variant (Variation ID: 497743). Based on the evidence outlined above, the variant was classified as uncertain significance.

Fulgent Genetics
Classification: Uncertain significance for Tibial muscular dystrophy; Myopathy, myofibrillar, 9, with early respiratory failure; Dilated cardiomyopathy 1G; Autosomal recessive limb-girdle muscular dystrophy type 2J; Early-onset myopathy with fatal cardiomyopathy; Hypertrophic cardiomyopathy 9. Last evaluated: 2021-09-01. Review status: criteria provided, single submitter. Criteria: ACMG Guidelines, 2015. Collection method: clinical testing. Allele origin: unknown.

Ambry Genetics
Classification: Uncertain significance for Cardiovascular phenotype. Last evaluated: 2019-11-21. Review status: criteria provided, single submitter. Criteria: Ambry Variant Classification Scheme 2023. Collection method: clinical testing. Allele origin: germline.
Comment: The p.A5640T variant (also known as c.16918G>A), located in coding exon 65 of the TTN gene, results from a G to A substitution at nucleotide position 16918. The alanine at codon 5640 is replaced by threonine, an amino acid with similar properties. This amino acid position is not well conserved in available vertebrate species. In addition, this alteration is predicted to be tolerated by in silico analysis. Since supporting evidence is limited at this time, the clinical significance of this alteration remains unclear.Since supporting evidence is limited at this time, the clinical significance of this alteration remains unclear.

Eurofins Ntd Llc (ga)
Classification: Uncertain significance. Last evaluated: 2016-10-21. Review status: criteria provided, single submitter. Criteria: EGL Classification Definitions 2015. Collection method: clinical testing. Allele origin: germline. Observed: 1 variant allele, 1 heterozygote.

PreventionGenetics, part of Exact Sciences
Classification: Uncertain significance for TTN-related condition. Last evaluated: 2024-08-15. Review status: no assertion criteria provided. Collection method: clinical testing. Allele origin: germline. Not counted in ClinVar's aggregate classification.
Comment: The TTN c.44113G>A variant is predicted to result in the amino acid substitution p.Ala14705Thr. To our knowledge, this variant has not been reported in the literature. This variant is reported in 0.012% of alleles in individuals of African descent in gnomAD. At this time, the clinical significance of this variant is uncertain due to the absence of conclusive functional and genetic evidence.